The following is an entry in ClinVar:

ClinVar aggregate classification (germline): Uncertain significance (1 of 4 stars; one submission).

Conditions:
HPS5-related disorder. Also called: HPS5-related condition.

gnomAD v4.1: 21 of 1,611,466 alleles (0.0013%); highest among the groups gnomAD compares: Non-Finnish European, 0.0017%; no homozygotes.

Submission:

PreventionGenetics, part of Exact Sciences
Classification: Uncertain significance for HPS5-related condition. Last evaluated: 2025-07-07. Review status: criteria provided, single submitter. Criteria: ACMG Guidelines, 2015. Collection method: clinical testing. Allele origin: germline.
Comment: The HPS5 c.2053G>C variant is predicted to result in the amino acid substitution p.Asp685His. To our knowledge, this variant has not been reported in the literature. This variant is reported in 0.0026% of alleles in individuals of European (Non-Finnish) descent in gnomAD. At this time, the clinical significance of this variant is uncertain due to the absence of conclusive functional and genetic evidence.

NM_181507.2(HPS5):c.2053G>C (p.Asp685His)

Gene: HPS5 (HPS5 biogenesis of lysosomal organelles complex 2 subunit 2; minus strand). Cytogenetic location: 11p15.1.
Variant type: single nucleotide variant.
Coding change: c.2053G>C on transcript NM_181507.2 (MANE Select); coding-DNA position 2053, G replaced by C.
Protein change: p.Asp685His; replaces aspartic acid 685 with histidine.
Molecular consequence: missense variant. On other transcripts: intron variant (1).
Genome position (GRCh38, 1-based): chr11:18,291,829, C>G on the plus strand (G>C on the coding strand, the complement: HPS5 is on the minus strand). VCF-style: chr11-18291829-C-G. GRCh37 (hg19) VCF-style: chr11-18313376-C-G.
Other names: c.2053G>C, p.Asp685His (NM_001440902.1, NM_001440903.1, NM_001440904.1 and 4 more transcripts); c.1978G>C, p.Asp660His (NM_001440907.1, NM_001440908.1, NM_001440909.1); c.1942G>C, p.Asp648His (NM_001440913.1, NM_001440914.1, NM_001440915.1); c.1867G>C, p.Asp623His (NM_001440918.1); c.1840G>C, p.Asp614His (NM_001440919.1); c.1711G>C, p.Asp571His (NM_001440920.1, NM_001440921.1, NM_001440922.1 and 7 more transcripts); c.1639G>C, p.Asp547His (NM_001440927.1, NM_001440928.1, NM_001440929.1); c.1862+1070G>C (NM_001440931.1); short protein forms D571H, D547H, D623H, D685H, D614H, D648H, D660H.
Identifiers: ClinVar variation 4979027 (VCV004979027.1).